The following is an entry in ClinVar:

ClinVar aggregate classification (germline): Uncertain significance (1 of 4 stars; one submission).

Allele frequency attached by ClinVar (database versions not stated): TOPMed 0.00036; gnomAD 0.00004 and 0.00029; ESP Exome Variant Server 0.00009; gnomAD exomes 0.00001.
gnomAD v4.1: 37 of 1,198,740 alleles (0.0031%); highest among the groups gnomAD compares: Non-Finnish European, 0.0013%; 1 homozygote.

Submission:

Labcorp Genetics (formerly Invitae), Labcorp
Classification: Uncertain significance. Last evaluated: 2022-03-10. Review status: criteria provided, single submitter. Criteria: Invitae Variant Classification Sherloc (09022015). Collection method: clinical testing. Allele origin: germline.
Comment: In summary, the available evidence is currently insufficient to determine the role of this variant in disease. Therefore, it has been classified as a Variant of Uncertain Significance. Algorithms developed to predict the effect of missense changes on protein structure and function output the following: SIFT: "Deleterious"; PolyPhen-2: "Possibly Damaging"; Align-GVGD: "Class C55". The threonine amino acid residue is found in multiple mammalian species, which suggests that this missense change does not adversely affect protein function. This variant has not been reported in the literature in individuals affected with COL4A6-related conditions. This variant is not present in population databases (gnomAD no frequency). This sequence change replaces alanine, which is neutral and non-polar, with threonine, which is neutral and polar, at codon 1372 of the COL4A6 protein (p.Ala1372Thr).

NM_033641.4(COL4A6):c.4111G>A (p.Ala1371Thr)

Gene: COL4A6 (collagen type IV alpha 6 chain; minus strand). Cytogenetic location: Xq22.3.
Variant type: single nucleotide variant.
Coding change: c.4111G>A on transcript NM_033641.4 (MANE Select); coding-DNA position 4111, G replaced by A.
Protein change: p.Ala1371Thr; replaces alanine 1371 with threonine.
Molecular consequence: missense variant.
Genome position (GRCh38, 1-based): chrX:108,162,997, C>T on the plus strand (G>A on the coding strand, the complement: COL4A6 is on the minus strand). VCF-style: chrX-108162997-C-T. GRCh37 (hg19) VCF-style: chrX-107406227-C-T.
Other names: c.4162G>A, p.Ala1388Thr (NM_001287758.2); c.4039G>A, p.Ala1347Thr (NM_001287759.2); c.3940G>A, p.Ala1314Thr (NM_001287760.2); c.4114G>A, p.Ala1372Thr (NM_001847.4); short protein forms A1314T, A1372T, A1371T, A1347T, A1388T.
Identifiers: ClinVar variation 1485760 (VCV001485760.8), dbSNP rs372858356, ClinGen allele CA334035549.